The following is an entry in ClinVar:

NM_001277115.2(DNAH11):c.563T>A (p.Met188Lys)

Gene: DNAH11 (dynein axonemal heavy chain 11; plus strand). Cytogenetic location: 7p15.3.
Variant type: single nucleotide variant.
Coding change: c.563T>A on transcript NM_001277115.2 (MANE Select); coding-DNA position 563, T replaced by A.
Protein change: p.Met188Lys; replaces methionine 188 with lysine.
Molecular consequence: missense variant.
Genome position (GRCh38, 1-based): chr7:21,558,869, T>A. VCF-style: chr7-21558869-T-A. GRCh37 (hg19) VCF-style: chr7-21598487-T-A.
Other names: short protein forms M188K.
Identifiers: ClinVar variation 4802457 (VCV004802457.1).

ClinVar aggregate classification (germline): Uncertain significance (1 of 4 stars; one submission).

Conditions:
Primary ciliary dyskinesia. Also called: Ciliary dyskinesia. Identifiers: Orphanet 244, MedGen C0008780, MONDO:0016575, HP:0012265.

Submission:

Labcorp Genetics (formerly Invitae), Labcorp
Classification: Uncertain significance for Primary ciliary dyskinesia. Last evaluated: 2025-08-17. Review status: criteria provided, single submitter. Criteria: Invitae Variant Classification Sherloc (09022015). Collection method: clinical testing. Allele origin: germline.
Comment: This sequence change replaces methionine, which is neutral and non-polar, with lysine, which is basic and polar, at codon 188 of the DNAH11 protein (p.Met188Lys). This variant is not present in population databases (gnomAD no frequency). This variant has not been reported in the literature in individuals affected with DNAH11-related conditions. Invitae Evidence Modeling of protein sequence and biophysical properties (such as structural, functional, and spatial information, amino acid conservation, physicochemical variation, residue mobility, and thermodynamic stability) indicates that this missense variant is not expected to disrupt DNAH11 protein function with a negative predictive value of 95%. In summary, the available evidence is currently insufficient to determine the role of this variant in disease. Therefore, it has been classified as a Variant of Uncertain Significance.